The following is an entry in ClinVar:

ClinVar aggregate classification (germline): Uncertain significance (1 of 4 stars; one submission).

Conditions:
Congenital disorder of glycosylation, type Iaa. Also called: Congenital disorder of glycosylation, type 1aa. Identifiers: MedGen C4310727, MONDO:0014904, OMIM 617082.

Allele frequency attached by ClinVar (database versions not stated): gnomAD exomes 0.00001; ExAC 0.00013.

Submission:

Labcorp Genetics (formerly Invitae), Labcorp
Classification: Uncertain significance for Congenital disorder of glycosylation, type Iaa. Last evaluated: 2023-05-16. Review status: criteria provided, single submitter. Criteria: Invitae Variant Classification Sherloc (09022015). Collection method: clinical testing. Allele origin: germline.
Comment: This variant is present in population databases (rs754191035, gnomAD 0.005%). In summary, the available evidence is currently insufficient to determine the role of this variant in disease. Therefore, it has been classified as a Variant of Uncertain Significance. Algorithms developed to predict the effect of missense changes on protein structure and function output the following: SIFT: "Not Available"; PolyPhen-2: "Benign"; Align-GVGD: "Not Available". The glycine amino acid residue is found in multiple mammalian species, which suggests that this missense change does not adversely affect protein function. ClinVar contains an entry for this variant (Variation ID: 1357181). This variant has not been reported in the literature in individuals affected with NUS1-related conditions. This sequence change replaces valine, which is neutral and non-polar, with glycine, which is neutral and non-polar, at codon 62 of the NUS1 protein (p.Val62Gly).

NM_138459.5(NUS1):c.185T>G (p.Val62Gly)

Gene: NUS1 (NUS1 dehydrodolichyl diphosphate synthase subunit; plus strand). Cytogenetic location: 6q22.1.
Variant type: single nucleotide variant.
Coding change: c.185T>G on transcript NM_138459.5 (MANE Select); coding-DNA position 185, T replaced by G.
Protein change: p.Val62Gly; replaces valine 62 with glycine.
Molecular consequence: missense variant.
Genome position (GRCh38, 1-based): chr6:117,675,855, T>G. VCF-style: chr6-117675855-T-G. GRCh37 (hg19) VCF-style: chr6-117997018-T-G.
Other names: short protein forms V62G.
Identifiers: ClinVar variation 1357181 (VCV001357181.8), dbSNP rs754191035, ClinGen allele CA3977077.